The following is an entry in ClinVar:

NC_000023.10:g.(?_32867825)_(32867957_?)del

Gene: DMD (dystrophin; minus strand). Cytogenetic location: Xp21.1.
Variant type: Deletion.
Identifiers: ClinVar variation 1455765 (VCV001455765.5).

ClinVar aggregate classification (germline): Pathogenic (1 of 4 stars; one submission).

Conditions:
Duchenne muscular dystrophy (DMD). Also called: Duchenne Muscular Dystrophy (DMD); MUSCULAR DYSTROPHY, PSEUDOHYPERTROPHIC PROGRESSIVE, DUCHENNE TYPE. Identifiers: Orphanet 98896, MedGen C0013264, MONDO:0010679, OMIM 310200.

Submission:

Labcorp Genetics (formerly Invitae), Labcorp
Classification: Pathogenic for Duchenne muscular dystrophy. Last evaluated: 2023-11-24. Review status: criteria provided, single submitter. Criteria: Invitae Variant Classification Sherloc (09022015). Collection method: clinical testing. Allele origin: germline.
Comment: This variant is a gross deletion of the genomic region encompassing exon(s) 3 of the DMD gene. This variant would be expected to be in-frame, preserving the integrity of the reading frame. A similar copy number variant has been observed in individuals with DMD-related dystrophinopathies (PMID: 2063877, 9028449, 11524473). Experimental studies and prediction algorithms are not available or were not evaluated, and the functional significance of this variant is currently unknown. For these reasons, this variant has been classified as Pathogenic.

Literature cited by the submitters: PubMed 2063877; PubMed 9028449; PubMed 11524473.